The following is an entry in ClinVar:

NM_000195.5(HPS1):c.1268C>G (p.Pro423Arg)

Gene: HPS1 (HPS1 biogenesis of lysosomal organelles complex 3 subunit 1; minus strand). Cytogenetic location: 10q24.2.
Variant type: single nucleotide variant.
Coding change: c.1268C>G on transcript NM_000195.5 (MANE Select); coding-DNA position 1268, C replaced by G.
Protein change: p.Pro423Arg; replaces proline 423 with arginine.
Molecular consequence: missense variant.
Genome position (GRCh38, 1-based): chr10:98,425,608, G>C on the plus strand (C>G on the coding strand, the complement: HPS1 is on the minus strand). VCF-style: chr10-98425608-G-C. GRCh37 (hg19) VCF-style: chr10-100185365-G-C.
Other names: c.296C>G, p.Pro99Arg (NM_001311345.2, NM_001322487.2, NM_001322489.2); c.1268C>G, p.Pro423Arg (NM_001322476.2, NM_001322477.2); c.1169C>G, p.Pro390Arg (NM_001322478.2, NM_001322479.2); c.1007C>G, p.Pro336Arg (NM_001322480.2, NM_001322481.2); c.908C>G, p.Pro303Arg (NM_001322482.2); c.899C>G, p.Pro300Arg (NM_001322483.2, NM_001322484.2); c.800C>G, p.Pro267Arg (NM_001322485.2); short protein forms P423R, P99R, P300R, P336R, P267R, P390R, P303R.
Identifiers: ClinVar variation 1376157 (VCV001376157.6), dbSNP rs531454442, ClinGen allele CA378047713.

ClinVar aggregate classification (germline): Uncertain significance (1 of 4 stars; one submission).

Submission:

Labcorp Genetics (formerly Invitae), Labcorp
Classification: Uncertain significance. Last evaluated: 2021-08-19. Review status: criteria provided, single submitter. Criteria: Invitae Variant Classification Sherloc (09022015). Collection method: clinical testing. Allele origin: germline.
Comment: This sequence change replaces proline with arginine at codon 423 of the HPS1 protein (p.Pro423Arg). The proline residue is moderately conserved and there is a moderate physicochemical difference between proline and arginine. In summary, the available evidence is currently insufficient to determine the role of this variant in disease. Therefore, it has been classified as a Variant of Uncertain Significance. Algorithms developed to predict the effect of missense changes on protein structure and function are either unavailable or do not agree on the potential impact of this missense change (SIFT: "Deleterious"; PolyPhen-2: "Probably Damaging"; Align-GVGD: "Class C0"). This variant has not been reported in the literature in individuals affected with HPS1-related conditions. This variant is not present in population databases (ExAC no frequency).